The following is an entry in ClinVar:

NM_000516.7(GNAS):c.847C>T (p.Arg283Cys)

Gene: GNAS (GNAS complex locus; plus strand). Cytogenetic location: 20q13.32.
Variant type: single nucleotide variant.
Coding change: c.847C>T on transcript NM_000516.7 (MANE Select); coding-DNA position 847, C replaced by T.
Protein change: p.Arg283Cys; replaces arginine 283 with cysteine.
Molecular consequence: missense variant. On other transcripts: 3 prime UTR variant (2).
Genome position (GRCh38, 1-based): chr20:58,909,958, C>T. VCF-style: chr20-58909958-C-T. GRCh37 (hg19) VCF-style: chr20-57485013-C-T.
Other names: c.850C>T, p.Arg284Cys (NM_001077488.5); c.802C>T, p.Arg268Cys (NM_001077489.4); c.*708C>T (NM_001077490.3); c.670C>T, p.Arg224Cys (NM_001309840.2, NM_001309861.2); c.751C>T, p.Arg251Cys (NM_001410912.1); c.2731C>T, p.Arg911Cys (NM_001410913.1); c.*753C>T (NM_016592.5); c.2776C>T, p.Arg926Cys (NM_080425.4); and 2 more; short protein forms R224C, R251C, R268C, R269C, R283C, R284C, R911C, R926C.
Identifiers: ClinVar variation 2582341 (VCV002582341.4), dbSNP rs2146289639, ClinGen allele CA409452915.

ClinVar aggregate classification (germline): Uncertain significance. Review status: criteria provided, multiple submitters, no conflicts (2 of 4 stars). 3 submissions from 3 submitters: Uncertain significance (3). Last evaluated 2025-07-16.

Conditions:
Pseudopseudohypoparathyroidism (PPHP). Also called: ALBRIGHT HEREDITARY OSTEODYSTROPHY WITHOUT MULTIPLE HORMONE RESISTANCE; Pseudopseudohypoparathyroidism (PPHP). Identifiers: Orphanet 79445, MedGen C0033835, MONDO:0012912, OMIM 612463.
Inborn genetic diseases. Identifiers: MedGen C0950123, MeSH D030342.

Submissions (3):

Ambry Genetics
Classification: Uncertain significance for Inborn genetic diseases. Last evaluated: 2025-07-16. Review status: criteria provided, single submitter. Criteria: Ambry Variant Classification Scheme 2023. Collection method: clinical testing. Allele origin: germline.
Comment: The c.847C>T (p.R283C) alteration is located in exon 11 (coding exon 11) of the GNAS gene. This alteration results from a C to T substitution at nucleotide position 847, causing the arginine (R) at amino acid position 283 to be replaced by a cysteine (C). This variant was not reported in population-based cohorts in the Genome Aggregation Database (gnomAD). This amino acid position is well conserved in available vertebrate species. This alteration is predicted to be deleterious by in silico analysis. Based on insufficient or conflicting evidence, the clinical significance of this alteration remains unclear.

GeneDx
Classification: Uncertain significance. Last evaluated: 2025-06-03. Review status: criteria provided, single submitter. Criteria: GeneDx Variant Classification Process June 2021. Collection method: clinical testing. Allele origin: germline. Affected: yes.
Comment: De novo variant with confirmed parentage in a patient in published literature from a cohort of individuals with developmental disorders; however, detailed clinical information was not provided, and the patient harbored additional de novo variants (PMID: 33057194); Not observed at significant frequency in large population cohorts (gnomAD); In silico analysis supports that this missense variant has a deleterious effect on protein structure/function; This variant is associated with the following publications: (PMID: 35982159, 33057194)

Baylor Genetics
Classification: Uncertain significance for Pseudopseudohypoparathyroidism. Last evaluated: 2023-11-10. Review status: criteria provided, single submitter. Criteria: ACMG Guidelines, 2015. Collection method: clinical testing. Allele origin: unknown.